The following is an entry in ClinVar:

NC_000012.11:g.(?_52307805)_(52315735_?)del

Gene: ACVRL1 (activin A receptor like type 1; plus strand). Cytogenetic location: 12q13.13.
Variant type: Deletion.
Identifiers: ClinVar variation 3244310 (VCV003244310.1).

ClinVar aggregate classification (germline): Pathogenic (1 of 4 stars; one submission).

Conditions:
Telangiectasia, hereditary hemorrhagic, type 2 (HHT2). Also called: ACVRL1-Related Hereditary Hemorrhagic Telangiectasia; Telangiectasia, hereditary hemorrhagic, type II. Identifiers: Orphanet 774, MedGen C1838163, MONDO:0010880, OMIM 600376. Disease mechanism: loss of function.

Submission:

Labcorp Genetics (formerly Invitae), Labcorp
Classification: Pathogenic for Telangiectasia, hereditary hemorrhagic, type 2. Last evaluated: 2023-03-10. Review status: criteria provided, single submitter. Criteria: Invitae Variant Classification Sherloc (09022015). Collection method: clinical testing. Allele origin: unknown.
Comment: For these reasons, this variant has been classified as Pathogenic. This variant disrupts a region of the ACVRL1 protein in which other variant(s) ( p.Gln490* ) have been determined to be pathogenic (PMID: 11484689, 16429404, 24603890). This suggests that this is a clinically significant region of the protein, and that variants that disrupt it are likely to be disease-causing. This variant has not been reported in the literature in individuals affected with ACVRL1-related conditions. This variant results in the deletion of exons 6-10 and part of exon 5 of the ACVRL1 gene. While this deletion is not anticipated to lead to nonsense mediated decay, it is expected to alter mRNA translation or result in a truncated protein product.

Literature cited by the submitters: PubMed 11484689; PubMed 16429404; PubMed 24603890.